The following is an entry in ClinVar:

ClinVar aggregate classification (germline): Uncertain significance. Review status: criteria provided, multiple submitters, no conflicts (2 of 4 stars). 5 submissions from 5 submitters: Uncertain significance (5). Last evaluated 2024-12-11.

Conditions:
Hereditary cancer-predisposing syndrome. Also called: Neoplastic Syndromes, Hereditary; Tumor predisposition; Hereditary neoplastic syndrome; Hereditary Cancer Syndrome. Identifiers: Orphanet 140162, MedGen C0027672, MeSH D009386, MONDO:0015356.
Inborn genetic diseases. Identifiers: MedGen C0950123, MeSH D030342.
Deafness-lymphedema-leukemia syndrome. Also called: Lymphedema, primary, with myelodysplasia; Emberger syndrome. Identifiers: Orphanet 3226, MedGen C3279664, MONDO:0013540, OMIM 614038.
Monocytopenia with susceptibility to infections. Also called: MONOCYTOPENIA AND MYCOBACTERIAL INFECTION SYNDROME; MONOCYTOPENIA WITH SUSCEPTIBILITY TO MYCOBACTERIAL, FUNGAL, AND PAPILLOMAVIRUS INFECTIONS AND MYELODYSPLASIA; COMBINED IMMUNODEFICIENCY WITH SUSCEPTIBILITY TO MYCOBACTERIAL, VIRAL, AND FUNGAL INFECTIONS; Dendritic cell, monocyte, B lymphocyte, and natural killer lymphocyte deficiency; IMMUNODEFICIENCY 21; GATA2 DEFICIENCY. Identifiers: Orphanet 228423, MedGen C3280030, MONDO:0013607, OMIM 614172.

Allele frequency attached by ClinVar (database versions not stated): gnomAD exomes below 0.00001; TOPMed below 0.00001.

Submissions (5):

Ambry Genetics
Classification: Uncertain significance for Inborn genetic diseases. Last evaluated: 2024-12-11. Review status: criteria provided, single submitter. Criteria: Ambry Variant Classification Scheme 2023. Collection method: clinical testing. Allele origin: germline.
Comment: The p.H258Q variant (also known as c.774C>G), located in coding exon 2 of the GATA2 gene, results from a C to G substitution at nucleotide position 774. The histidine at codon 258 is replaced by glutamine, an amino acid with highly similar properties. This amino acid position is highly conserved in available vertebrate species. In addition, the in silico prediction for this alteration is inconclusive. Based on the available evidence, the clinical significance of this variant remains unclear.

Blueprint Genetics
Classification: Uncertain significance. Last evaluated: 2024-04-03. Review status: criteria provided, single submitter. Criteria: ACMG Guidelines, 2015. Collection method: clinical testing. Allele origin: germline.

Labcorp Genetics (formerly Invitae), Labcorp
Classification: Uncertain significance for Monocytopenia with susceptibility to infections; Deafness-lymphedema-leukemia syndrome. Last evaluated: 2023-09-26. Review status: criteria provided, single submitter. Criteria: Invitae Variant Classification Sherloc (09022015). Collection method: clinical testing. Allele origin: germline.
Comment: This sequence change replaces histidine, which is basic and polar, with glutamine, which is neutral and polar, at codon 258 of the GATA2 protein (p.His258Gln). This variant is present in population databases (no rsID available, gnomAD no frequency). This variant has not been reported in the literature in individuals affected with GATA2-related conditions. ClinVar contains an entry for this variant (Variation ID: 1337279). Advanced modeling of protein sequence and biophysical properties (such as structural, functional, and spatial information, amino acid conservation, physicochemical variation, residue mobility, and thermodynamic stability) performed at Invitae indicates that this missense variant is not expected to disrupt GATA2 protein function. In summary, the available evidence is currently insufficient to determine the role of this variant in disease. Therefore, it has been classified as a Variant of Uncertain Significance.

Sema4
Classification: Uncertain significance for Hereditary cancer-predisposing syndrome. Last evaluated: 2021-09-25. Review status: criteria provided, single submitter. Criteria: Sema4 Curation Guidelines. Collection method: curation. Allele origin: germline.
Comment: The GATA2 c.774C>G (p.H258Q) variant has not been reported in literature to our knowledge. This variant was observed in 1/249860 chromosomes in worldwide populations according to the Genome Aggregation Database (PMID: 32461654). This variant has not been reported in ClinVar. Functional studies have not been performed, and in silico predictions of the variant's effect on protein function are inconclusive. The overall evidence is insufficient to meet ACMG/AMP criteria for classifying it as benign or pathogenic. In summary, the clinical significance of this variant is currently uncertain.

Genetic Services Laboratory, University of Chicago
Classification: Uncertain significance. Last evaluated: 2019-07-19. Review status: criteria provided, single submitter. Criteria: ACMG Guidelines, 2015. Collection method: clinical testing. Allele origin: germline. Affected: no.

NM_032638.5(GATA2):c.774C>G (p.His258Gln)

Gene: GATA2 (GATA binding protein 2; minus strand). Cytogenetic location: 3q21.3.
Variant type: single nucleotide variant.
Coding change: c.774C>G on transcript NM_032638.5 (MANE Select); coding-DNA position 774, C replaced by G.
Protein change: p.His258Gln; replaces histidine 258 with glutamine.
Molecular consequence: missense variant.
Genome position (GRCh38, 1-based): chr3:128,485,824, G>C on the plus strand (C>G on the coding strand, the complement: GATA2 is on the minus strand). VCF-style: chr3-128485824-G-C. GRCh37 (hg19) VCF-style: chr3-128204667-G-C.
Other names: c.774C>G, p.His258Gln (NM_001145661.2, NM_001145662.1); short protein forms H258Q.
Identifiers: ClinVar variation 1337279 (VCV001337279.9), dbSNP rs1353328065, ClinGen allele CA354405965.
Genomic context (GRCh38, chr3:128,485,824, plus strand): 5'-GAAGCTGGAGGCCGGTCCCCCCAGGAAGCCTCCGGGGTGGAAGAGTCCGCTGCTGTAGTC[G>C]TGGGCAGCCGCCGGCACATAGGAGGGGTAGGTGGGGATGGGGTGGTGTGTAGCAGGCTGG-3'
Protein context (NP_116027.2, residues 248-268): TYPSYVPAAA[His258Gln]DYSSGLFHPG